The following is an entry in ClinVar:

NM_000186.4(CFH):c.1507C>G (p.Pro503Ala)

Gene: CFH (complement factor H; plus strand). Cytogenetic location: 1q31.3.
Variant type: single nucleotide variant.
Coding change: c.1507C>G on transcript NM_000186.4 (MANE Select); coding-DNA position 1507, C replaced by G.
Protein change: p.Pro503Ala; replaces proline 503 with alanine.
Molecular consequence: missense variant.
Genome position (GRCh38, 1-based): chr1:196,713,905, C>G. VCF-style: chr1-196713905-C-G. GRCh37 (hg19) VCF-style: chr1-196683035-C-G.
Other names: p.Pro503Ala; short protein forms P503A.
Identifiers: ClinVar variation 157562 (VCV000157562.15), dbSNP rs570523689, ClinGen allele CA170968.

ClinVar aggregate classification (germline): Uncertain significance. Review status: criteria provided, multiple submitters, no conflicts (2 of 4 stars). 9 submissions from 6 submitters: Uncertain significance (8). 1 of the submissions does not count toward it. Last evaluated 2026-09-17.

Conditions:
Atypical hemolytic-uremic syndrome. Identifiers: Orphanet 2134, MedGen C2931788, MONDO:0016244.
Age related macular degeneration 4. Identifiers: MedGen C1853147, MONDO:0012540, OMIM 610698.
Hemolytic uremic syndrome, atypical, susceptibility to, 1. Also called: AHUS, SUSCEPTIBILITY TO, 1. Identifiers: Orphanet 2134, Orphanet 90038, MedGen C2749604, MONDO:0009335, OMIM 235400. Disease mechanism: Other.
Factor H deficiency (CFHD). Also called: COMPLEMENT FACTOR H DEFICIENCY; CFH DEFICIENCY. Identifiers: Orphanet 200421, MedGen C0398777, MONDO:0012350, OMIM 609814.
Basal laminar drusen. Also called: DRUSEN OF BRUCH MEMBRANE; DRUSEN, CUTICULAR; DRUSEN, EARLY ADULT-ONSET, GROUPED. Identifiers: Orphanet 75376, MedGen C0730295, MONDO:0007472, OMIM 126700.

Allele frequency attached by ClinVar (database versions not stated): gnomAD 0.00002; TOPMed 0.00002.

Submissions (9):

Genomenon, Inc
Classification: Uncertain significance for Age related macular degeneration 4. Last evaluated: 2026-09-17. Review status: criteria provided, single submitter. Criteria: Genomenon Sequence Variant Interpretation Standards - Updated. Collection method: curation. Allele origin: germline. Affected: yes.
Comment: CFH p.Pro503Ala (c.1507C>G) is a missense variant that changes the amino acid at codon 503 from proline to alanine. This variant has been observed in at least one proband affected with age-related macular degeneration (PMID: 24906858; 26501415; 29888403). Well-established functional studies show no damaging effect of this variant on protein function, supporting a benign classification (PMID: 34189567). It is absent or not present at a significant frequency in gnomAD. In silico models predict that this variant is possibly or probably damaging. In conclusion, we classify CFH p.Pro503Ala (c.1507C>G) as a variant of uncertain significance.

Labcorp Genetics (formerly Invitae), Labcorp
Classification: Uncertain significance. Last evaluated: 2025-07-29. Review status: criteria provided, single submitter. Criteria: Invitae Variant Classification Sherloc (09022015). Collection method: clinical testing. Allele origin: germline.
Comment: This sequence change replaces proline, which is neutral and non-polar, with alanine, which is neutral and non-polar, at codon 503 of the CFH protein (p.Pro503Ala). This variant is present in population databases (rs570523689, gnomAD 0.004%). This missense change has been observed in individual(s) with pneumonia, age-related macular degeneration or atypical hemolytic uremic syndrome (PMID: 24906858, 26501415, 29888403, 30295827, 32185379, 34508573, 35930268). ClinVar contains an entry for this variant (Variation ID: 157562). An algorithm developed to predict the effect of missense changes on protein structure and function (PolyPhen-2) suggests that this variant is likely to be disruptive. Experimental studies are conflicting or provide insufficient evidence to determine the effect of this variant on CFH function (PMID: 34189567, 36445700). In summary, the available evidence is currently insufficient to determine the role of this variant in disease. Therefore, it has been classified as a Variant of Uncertain Significance.

Genome-Nilou Lab
Classification: Uncertain significance for Hemolytic uremic syndrome, atypical, susceptibility to, 1. Last evaluated: 2023-04-11. Review status: criteria provided, single submitter. Criteria: ACMG Guidelines, 2015. Collection method: clinical testing. Allele origin: germline. Affected: no.

Genome-Nilou Lab
Classification: Uncertain significance for Age related macular degeneration 4. Last evaluated: 2023-04-11. Review status: criteria provided, single submitter. Criteria: ACMG Guidelines, 2015. Collection method: clinical testing. Allele origin: germline. Affected: no.

Genome-Nilou Lab
Classification: Uncertain significance for Basal laminar drusen. Last evaluated: 2023-04-11. Review status: criteria provided, single submitter. Criteria: ACMG Guidelines, 2015. Collection method: clinical testing. Allele origin: germline. Affected: no.

Genome-Nilou Lab
Classification: Uncertain significance for Factor H deficiency. Last evaluated: 2023-04-11. Review status: criteria provided, single submitter. Criteria: ACMG Guidelines, 2015. Collection method: clinical testing. Allele origin: germline. Affected: no.

Mayo Clinic Laboratories, Mayo Clinic
Classification: Uncertain significance. Last evaluated: 2021-05-06. Review status: criteria provided, single submitter. Criteria: ACMG Guidelines, 2015. Collection method: clinical testing. Allele origin: germline.

Genome Diagnostics Laboratory, The Hospital for Sick Children
Classification: Uncertain significance for Atypical hemolytic-uremic syndrome. Last evaluated: 2020-02-01. Review status: criteria provided, single submitter. Criteria: ACMG Guidelines, 2015. Collection method: clinical testing. Allele origin: germline.

OMIM
Classification: risk factor for MACULAR DEGENERATION, AGE-RELATED, 4, SUSCEPTIBILITY TO. Last evaluated: 2014-06-06. Review status: no assertion criteria provided. Collection method: literature only. Allele origin: germline. Not counted in ClinVar's aggregate classification.

Literature cited by the submitters: PubMed 24906858 (cited by 3 submitters); PubMed 26501415 (cited by Genomenon, Inc and Labcorp Genetics (formerly Invitae), Labcorp); PubMed 29888403 (cited by Genomenon, Inc and Labcorp Genetics (formerly Invitae), Labcorp); PubMed 34189567 (cited by Genomenon, Inc and Labcorp Genetics (formerly Invitae), Labcorp); PubMed 30295827 (cited by Labcorp Genetics (formerly Invitae), Labcorp); PubMed 32185379 (cited by Labcorp Genetics (formerly Invitae), Labcorp); PubMed 34508573 (cited by Labcorp Genetics (formerly Invitae), Labcorp); PubMed 35930268 (cited by Labcorp Genetics (formerly Invitae), Labcorp); PubMed 36445700 (cited by Labcorp Genetics (formerly Invitae), Labcorp).